The following is an entry in ClinVar:

ClinVar aggregate classification (germline): Likely benign (1 of 4 stars; one submission).

Allele frequency attached by ClinVar (database versions not stated): gnomAD exomes 0.00031; ExAC 0.00203; ESP Exome Variant Server 0.00290; gnomAD 0.00355; 1000 Genomes Project 0.00359; 1000 Genomes Project 30x 0.00406; TOPMed 0.00429.

Submission:

CeGaT Center for Human Genetics Tuebingen
Classification: Likely benign. Last evaluated: 2026-10-01. Review status: criteria provided, single submitter. Criteria: CeGaT Center For Human Genetics Tuebingen Variant Classification Criteria Version 2. Collection method: clinical testing. Allele origin: germline. Affected: yes. Observed: 4 variant alleles.
Comment: KCNN3: BS1

NM_002249.6(KCNN3):c.139C>T (p.Pro47Ser)

Gene: KCNN3 (potassium calcium-activated channel subfamily N member 3; minus strand). Cytogenetic location: 1q21.3.
Variant type: single nucleotide variant.
Coding change: c.139C>T on transcript NM_002249.6 (MANE Select); coding-DNA position 139, C replaced by T.
Protein change: p.Pro47Ser; replaces proline 47 with serine.
Molecular consequence: missense variant.
Genome position (GRCh38, 1-based): chr1:154,869,826, G>A on the plus strand (C>T on the coding strand, the complement: KCNN3 is on the minus strand). VCF-style: chr1-154869826-G-A. GRCh37 (hg19) VCF-style: chr1-154842302-G-A.
Other names: c.139C>T, p.Pro47Ser (NM_001204087.2); short protein forms P47S.
Identifiers: ClinVar variation 2639380 (VCV002639380.24), dbSNP rs189948752, ClinGen allele CA1132354.